The following is an entry in ClinVar:

ClinVar aggregate classification (germline): Benign. Review status: criteria provided, single submitter (1 of 4 stars). 2 submissions from 2 submitters: Benign (1). 1 of the submissions does not count toward it. Last evaluated 2024-01-01.

Conditions:
Complement component 4a deficiency. Also called: C4a deficiency. Identifiers: MedGen C3280642, MONDO:0013721, OMIM 614380.

Submissions (2):

CeGaT Center for Human Genetics Tuebingen
Classification: Benign. Last evaluated: 2024-01-01. Review status: criteria provided, single submitter. Criteria: CeGaT Center For Human Genetics Tuebingen Variant Classification Criteria Version 2. Collection method: clinical testing. Allele origin: germline. Affected: yes. Observed: 4 variant alleles.
Comment: C4A: BS1, BS2

OMIM
Classification: Pathogenic for C4A DEFICIENCY. Last evaluated: 1993-04-01. Review status: no assertion criteria provided. Collection method: literature only. Allele origin: germline. Not counted in ClinVar's aggregate classification.

Literature cited by the submitters: PubMed 2295875 (cited by OMIM); PubMed 8473511 (cited by OMIM).

NM_007293.3(C4A):c.3694_3695dup (p.Val1233fs)

Gene: C4A (complement C4A (Chido/Rodgers blood group); plus strand). Cytogenetic location: 6p21.33.
Variant type: Duplication.
Coding change: c.3694_3695dup on transcript NM_007293.3 (MANE Select); coding-DNA positions 3694 to 3695, 2 bases duplicated (TC; older notation c.3694_3695dupTC).
Protein change: p.Val1233fs; shifts the reading frame from valine 1233.
Molecular consequence: frameshift variant.
Genome position (GRCh38, 1-based): chr6:31,996,846-31,996,847, TC duplicated; duplicating any 2 consecutive bases within chr6:31,996,845-31,996,847 gives the same sequence; the c. name uses the placement nearest the transcript's 3' end. VCF-style (leftmost placement, unchanged base first): chr6-31996844-G-GCT. GRCh37 (hg19) VCF-style: chr6-31964621-G-GCT.
Other names: C4A, 2-BP INS, EX29; c.3694_3695dup, p.Val1233fs (NM_001252204.2); short protein forms V1233fs.
Identifiers: ClinVar variation 17055 (VCV000017055.25), dbSNP rs760602547, ClinGen allele CA3731125.